The following is an entry in ClinVar:

NM_000059.4(BRCA2):c.5676_5677insA (p.Cys1893fs)

Gene: BRCA2 (BRCA2 DNA repair associated; plus strand). Cytogenetic location: 13q13.1.
Variant type: Insertion.
Coding change: c.5676_5677insA on transcript NM_000059.4 (MANE Select); coding-DNA positions 5676 to 5677, A inserted.
Protein change: p.Cys1893fs; shifts the reading frame from cysteine 1893.
Molecular consequence: frameshift variant.
Genome position: GRCh38 VCF-style: chr13-32340031-T-TA. GRCh37 (hg19) VCF-style: chr13-32914168-T-TA.
Other names: short protein forms C1893fs.
Identifiers: ClinVar variation 548351 (VCV000548351.1), dbSNP rs1555284348, ClinGen allele CA658823660.

ClinVar aggregate classification (germline): Pathogenic (3 of 4 stars; one submission).

Conditions:
Breast-ovarian cancer, familial, susceptibility to, 2 (BROVCA2). Also called: BRCA2 Hereditary Breast and Ovarian Cancer. Identifiers: Orphanet 145, MedGen C2675520, MONDO:0012933, OMIM 612555. Disease mechanism: loss of function.

Submission:

Evidence-based Network for the Interpretation of Germline Mutant Alleles (ENIGMA)
Classification: Pathogenic for Breast-ovarian cancer, familial, susceptibility to, 2. Last evaluated: 2017-12-15. Review status: reviewed by expert panel. Criteria: ENIGMA BRCA1/2 Classification Criteria (2017-06-29). Collection method: curation. Allele origin: germline. Study: ENIGMA.
Comment: Variant allele predicted to encode a truncated non-functional protein.